The following is an entry in ClinVar:

ClinVar aggregate classification (germline): Uncertain significance (1 of 4 stars; one submission).

Allele frequency attached by ClinVar (database versions not stated): gnomAD exomes below 0.00001; ExAC 0.00001.
gnomAD v4.1: 4 of 1,613,974 alleles (0.00025%); highest among the groups gnomAD compares: Non-Finnish European, 0.00025%; no homozygotes.

Submission:

GeneDx
Classification: Uncertain significance. Last evaluated: 2019-10-08. Review status: criteria provided, single submitter. Criteria: GeneDx Variant Classification Process June 2021. Collection method: clinical testing. Allele origin: germline. Affected: yes.
Comment: In silico analysis, which includes protein predictors and evolutionary conservation, supports a deleterious effect; Has not been previously reported as a pathogenic or benign germline variant to our knowledge; This variant is associated with the following publications: (PMID: 28196015, 25964253)

NM_022552.5(DNMT3A):c.2398G>A (p.Gly800Ser)

Gene: DNMT3A (DNA methyltransferase 3 alpha; minus strand). Cytogenetic location: 2p23.3.
Variant type: single nucleotide variant.
Coding change: c.2398G>A on transcript NM_022552.5 (MANE Select); coding-DNA position 2398, G replaced by A.
Protein change: p.Gly800Ser; replaces glycine 800 with serine.
Molecular consequence: missense variant. On other transcripts: non-coding transcript variant (1).
Genome position (GRCh38, 1-based): chr2:25,239,140, C>T on the plus strand (G>A on the coding strand, the complement: DNMT3A is on the minus strand). VCF-style: chr2-25239140-C-T. GRCh37 (hg19) VCF-style: chr2-25462009-C-T.
Other names: c.1942G>A, p.Gly648Ser (NM_001320893.1); c.1729G>A, p.Gly577Ser (NM_001375819.1); c.1831G>A, p.Gly611Ser (NM_153759.3); c.2398G>A, p.Gly800Ser (NM_175629.2); short protein forms G577S, G611S, G648S, G800S.
Identifiers: ClinVar variation 1315822 (VCV001315822.2), dbSNP rs757083492, ClinGen allele CA1555600.